The following is an entry in ClinVar:

ClinVar aggregate classification (germline): Benign. Review status: criteria provided, multiple submitters, no conflicts (2 of 4 stars). 3 submissions from 3 submitters: Benign (2). 1 of the submissions does not count toward it. Last evaluated 2019-12-31.

Conditions:
GFRA1-related disorder. Also called: GFRA1-related condition.

Allele frequency attached by ClinVar (database versions not stated): ESP Exome Variant Server 0.01439; 1000 Genomes Project 0.01558; gnomAD exomes 0.00369 and 0.00142; ExAC 0.00444; 1000 Genomes Project 30x 0.01577; TOPMed 0.01594; gnomAD 0.01398 and 0.01495.
gnomAD v4.1: 4,305 of 1,603,676 alleles (0.27%); highest among the groups gnomAD compares: African/African-American, 5%; 90 homozygotes.

Submissions (3):

Labcorp Genetics (formerly Invitae), Labcorp
Classification: Benign. Last evaluated: 2019-12-31. Review status: criteria provided, single submitter. Criteria: Invitae Variant Classification Sherloc (09022015). Collection method: clinical testing. Allele origin: germline.

Breakthrough Genomics
Classification: Benign. Review status: criteria provided, single submitter. Criteria: ACMG Guidelines, 2015. Collection method: not provided. Allele origin: germline. Inheritance: Autosomal recessive inheritance. Affected: yes.

PreventionGenetics, part of Exact Sciences
Classification: Benign for GFRA1-related condition. Last evaluated: 2024-08-07. Review status: no assertion criteria provided. Collection method: clinical testing. Allele origin: germline. Not counted in ClinVar's aggregate classification.
Comment: This variant is classified as benign based on ACMG/AMP sequence variant interpretation guidelines (Richards et al. 2015 PMID: 25741868, with internal and published modifications).

NM_005264.8(GFRA1):c.41A>C (p.Asp14Ala)

Gene: GFRA1 (GDNF family receptor alpha 1; minus strand). Cytogenetic location: 10q25.3.
Variant type: single nucleotide variant.
Coding change: c.41A>C on transcript NM_005264.8 (MANE Select); coding-DNA position 41, A replaced by C.
Protein change: p.Asp14Ala; replaces aspartic acid 14 with alanine.
Molecular consequence: missense variant.
Genome position (GRCh38, 1-based): chr10:116,271,115, T>G on the plus strand (A>C on the coding strand, the complement: GFRA1 is on the minus strand). VCF-style: chr10-116271115-T-G. GRCh37 (hg19) VCF-style: chr10-118030627-T-G.
Other names: c.41A>C, p.Asp14Ala (NM_001145453.4, NM_001348096.3, NM_001348098.4 and 7 more transcripts); c.41A>C (NM_001348098.1); short protein forms D14A.
Identifiers: ClinVar variation 783583 (VCV000783583.7), dbSNP rs76531145, ClinGen allele CA5705519.